The following is an entry in ClinVar:

ClinVar aggregate classification (germline): Uncertain significance. Review status: criteria provided, multiple submitters, no conflicts (2 of 4 stars). 2 submissions from 2 submitters: Uncertain significance (2). Last evaluated 2024-11-11.

Conditions:
Inborn genetic diseases. Identifiers: MedGen C0950123, MeSH D030342.

Allele frequency attached by ClinVar (database versions not stated): gnomAD 0.00001; gnomAD exomes 0.00002 and 0.00010; TOPMed 0.00006; ExAC 0.00016.
gnomAD v4.1: 29 of 1,566,390 alleles (0.0019%); highest among the groups gnomAD compares: Admixed American, 0.052%; no homozygotes.

Submissions (2):

Labcorp Genetics (formerly Invitae), Labcorp
Classification: Uncertain significance. Last evaluated: 2024-11-11. Review status: criteria provided, single submitter. Criteria: Invitae Variant Classification Sherloc (09022015). Collection method: clinical testing. Allele origin: germline.
Comment: This sequence change replaces arginine, which is basic and polar, with serine, which is neutral and polar, at codon 441 of the PIBF1 protein (p.Arg441Ser). This variant is present in population databases (rs752081525, gnomAD 0.07%). This variant has not been reported in the literature in individuals affected with PIBF1-related conditions. ClinVar contains an entry for this variant (Variation ID: 1403924). An algorithm developed to predict the effect of missense changes on protein structure and function (PolyPhen-2) suggests that this variant is likely to be disruptive. In summary, the available evidence is currently insufficient to determine the role of this variant in disease. Therefore, it has been classified as a Variant of Uncertain Significance.

Ambry Genetics
Classification: Uncertain significance for Inborn genetic diseases. Last evaluated: 2020-12-08. Review status: criteria provided, single submitter. Criteria: Ambry Variant Classification Scheme 2023. Collection method: clinical testing. Allele origin: germline.
Comment: The c.1323G>T (p.R441S) alteration is located in exon 11 (coding exon 10) of the PIBF1 gene. This alteration results from a G to T substitution at nucleotide position 1323, causing the arginine (R) at amino acid position 441 to be replaced by a serine (S). The p.R441S alteration is predicted to be tolerated by in silico analysis. Based on insufficient or conflicting evidence, the clinical significance of this alteration remains unclear.

NM_006346.4(PIBF1):c.1323G>T (p.Arg441Ser)

Gene: PIBF1 (progesterone immunomodulatory binding factor 1; plus strand). Cytogenetic location: 13q22.1.
Variant type: single nucleotide variant.
Coding change: c.1323G>T on transcript NM_006346.4 (MANE Select); coding-DNA position 1323, G replaced by T.
Protein change: p.Arg441Ser; replaces arginine 441 with serine.
Molecular consequence: missense variant. On other transcripts: non-coding transcript variant (2).
Genome position (GRCh38, 1-based): chr13:72,893,784, G>T. VCF-style: chr13-72893784-G-T. GRCh37 (hg19) VCF-style: chr13-73467922-G-T.
Other names: c.1410G>T, p.Arg470Ser (NM_001349655.2); c.1323G>T (NM_006346.2); short protein forms R441S, R470S.
Identifiers: ClinVar variation 1403924 (VCV001403924.9), dbSNP rs752081525, ClinGen allele CA7002248.